The following is an entry in ClinVar:

ClinVar aggregate classification (germline): Uncertain significance (1 of 4 stars; one submission).

Submission:

GeneDx
Classification: Uncertain significance. Last evaluated: 2022-07-20. Review status: criteria provided, single submitter. Criteria: GeneDx Variant Classification Process June 2021. Collection method: clinical testing. Allele origin: germline. Affected: yes.
Comment: Not observed at significant frequency in large population cohorts (gnomAD); In silico analysis supports a deleterious effect on splicing; Has not been previously published as pathogenic or benign to our knowledge

NM_007118.4(TRIO):c.4424-5T>G

Gene: TRIO (trio Rho guanine nucleotide exchange factor; plus strand). Cytogenetic location: 5p15.2.
Variant type: single nucleotide variant.
Coding change: c.4424-5T>G on transcript NM_007118.4 (MANE Select); 5 bases into the intron before coding-DNA position 4424, T replaced by G.
Molecular consequence: intron variant.
Genome position (GRCh38, 1-based): chr5:14,398,875, T>G. VCF-style: chr5-14398875-T-G. GRCh37 (hg19) VCF-style: chr5-14398984-T-G.
Identifiers: ClinVar variation 2136087 (VCV002136087.1), dbSNP rs2532963022, ClinGen allele CA2580072144.
Genomic context (GRCh38, chr5:14,398,875, plus strand): 5'-CTTTCTTGTGCATCAGTTTTTATTTTTCTTTTAAATTGATTTGCCTCCCTTTTTTCATGT[T>G]GTAGGGTTTGATGAAAACATTGAGTCTCAGGGAGAACTCATCCTACAGGAATCCTTCCAA-3'